The following is an entry in ClinVar:

NM_020774.4(MIB1):c.933C>T (p.Leu311=)

Gene: MIB1 (MIB E3 ubiquitin protein ligase 1; plus strand). Cytogenetic location: 18q11.2.
Variant type: single nucleotide variant.
Coding change: c.933C>T on transcript NM_020774.4 (MANE Select); coding-DNA position 933, C replaced by T.
Protein change: p.Leu311=; no amino-acid change (leucine 311 retained).
Molecular consequence: synonymous variant.
Genome position (GRCh38, 1-based): chr18:21,791,398, C>T. VCF-style: chr18-21791398-C-T. GRCh37 (hg19) VCF-style: chr18-19371359-C-T.
Other names: c.933C>T (NM_020774.2).
Identifiers: ClinVar variation 390165 (VCV000390165.2), dbSNP rs888626600, ClinGen allele CA16607556.

ClinVar aggregate classification (germline): Likely benign. Review status: criteria provided, multiple submitters, no conflicts (2 of 4 stars). 2 submissions from 2 submitters: Likely benign (2). Last evaluated 2023-10-24.

Conditions:
Inborn genetic diseases. Identifiers: MedGen C0950123, MeSH D030342.

Allele frequency attached by ClinVar (database versions not stated): gnomAD exomes below 0.00001 and 0.00001; TOPMed 0.00002.
gnomAD v4.1: 3 of 1,613,282 alleles (0.00019%); highest among the groups gnomAD compares: African/African-American, 0.004%; no homozygotes.

Submissions (2):

Ambry Genetics
Classification: Likely benign for Inborn genetic diseases. Last evaluated: 2023-10-24. Review status: criteria provided, single submitter. Criteria: Ambry Variant Classification Scheme 2023. Collection method: clinical testing. Allele origin: germline.

GeneDx
Classification: Likely benign. Last evaluated: 2016-10-24. Review status: criteria provided, single submitter. Criteria: GeneDx Variant Classification (06012015). Collection method: clinical testing. Allele origin: germline. Affected: yes.
Comment: This variant is considered likely benign or benign based on one or more of the following criteria: it is a conservative change, it occurs at a poorly conserved position in the protein, it is predicted to be benign by multiple in silico algorithms, and/or has population frequency not consistent with disease.